The following is an entry in ClinVar:

NM_000179.3(MSH6):c.2513C>G (p.Pro838Arg)

Gene: MSH6 (mutS homolog 6; plus strand). Cytogenetic location: 2p16.3.
Variant type: single nucleotide variant.
Coding change: c.2513C>G on transcript NM_000179.3 (MANE Select); coding-DNA position 2513, C replaced by G.
Protein change: p.Pro838Arg; replaces proline 838 with arginine.
Molecular consequence: missense variant.
Genome position (GRCh38, 1-based): chr2:47,800,496, C>G. VCF-style: chr2-47800496-C-G. GRCh37 (hg19) VCF-style: chr2-48027635-C-G.
Other names: c.1607C>G, p.Pro536Arg (NM_001281493.2, NM_001281494.2); c.2123C>G, p.Pro708Arg (NM_001281492.2); short protein forms P838R, P708R, P536R.
Identifiers: ClinVar variation 922100 (VCV000922100.3), dbSNP rs770952730, ClinGen allele CA346754319.
Genomic context (GRCh38, chr2:47,800,496, plus strand): 5'-TTGAGAGGCTACTCAGTAAAATTCATAATGTTGGGTCTCCCCTGAAGAGTCAGAACCACC[C>G]AGACAGCAGGGCTATAATGTATGAAGAAACTACATACAGCAAGAAGAAGATTATTGATTT-3'
Protein context (NP_000170.1, residues 828-848): VGSPLKSQNH[Pro838Arg]DSRAIMYEET

ClinVar aggregate classification (germline): Uncertain significance (1 of 4 stars; one submission).

Conditions:
Hereditary cancer-predisposing syndrome. Also called: Neoplastic Syndromes, Hereditary; Tumor predisposition; Hereditary Cancer Syndrome; Hereditary neoplastic syndrome. Identifiers: Orphanet 140162, MedGen C0027672, MeSH D009386, MONDO:0015356.

Allele frequency attached by ClinVar (database versions not stated): TOPMed below 0.00001; gnomAD 0.00001.
gnomAD v4.1: 3 of 1,612,666 alleles (0.00019%); highest among the groups gnomAD compares: Non-Finnish European, 0.00025%; no homozygotes.

Submission:

Color Diagnostics, LLC DBA Color Health
Classification: Uncertain significance for Hereditary cancer-predisposing syndrome. Last evaluated: 2019-11-25. Review status: criteria provided, single submitter. Criteria: ACMG Guidelines, 2015. Collection method: clinical testing. Allele origin: germline.
Comment: This missense variant replaces proline with arginine at codon 838 of the MSH6 protein. Computational prediction suggests that this variant may have deleterious impact on protein structure and function (internally defined REVEL score threshold >= 0.7, PMID: 27666373). Splice site prediction tools suggest that this variant may not impact RNA splicing. To our knowledge, functional studies have not been performed for this variant. This variant has not been reported in individuals affected with hereditary cancer in the literature. This variant has not been identified in the general population by the Genome Aggregation Database (gnomAD). The available evidence is insufficient to determine the role of this variant in disease conclusively. Therefore, this variant is classified as a Variant of Uncertain Significance.